The following is an entry in ClinVar:

NM_000143.4(FH):c.754G>A (p.Val252Ile)

Gene: FH (fumarate hydratase; minus strand). Cytogenetic location: 1q43.
Variant type: single nucleotide variant.
Coding change: c.754G>A on transcript NM_000143.4 (MANE Select); coding-DNA position 754, G replaced by A.
Protein change: p.Val252Ile; replaces valine 252 with isoleucine.
Molecular consequence: missense variant.
Genome position (GRCh38, 1-based): chr1:241,506,153, C>T on the plus strand (G>A on the coding strand, the complement: FH is on the minus strand). VCF-style: chr1-241506153-C-T. GRCh37 (hg19) VCF-style: chr1-241669453-C-T.
Other names: c.754G>A (NM_000143.3); short protein forms V252I.
Identifiers: ClinVar variation 1427816 (VCV001427816.8), dbSNP rs1353871297, ClinGen allele CA345439093.

ClinVar aggregate classification (germline): Uncertain significance. Review status: criteria provided, multiple submitters, no conflicts (2 of 4 stars). 2 submissions from 2 submitters: Uncertain significance (2). Last evaluated 2024-10-13.

Conditions:
Hereditary cancer-predisposing syndrome. Also called: Tumor predisposition; Hereditary neoplastic syndrome; Neoplastic Syndromes, Hereditary; Hereditary Cancer Syndrome. Identifiers: Orphanet 140162, MedGen C0027672, MeSH D009386, MONDO:0015356.

Allele frequency attached by ClinVar (database versions not stated): gnomAD exomes below 0.00001; TOPMed below 0.00001.
gnomAD v4.1: 1 of 1,613,180 alleles (0.000062%); highest among the groups gnomAD compares: Admixed American, 0.0017%; no homozygotes.

Submissions (2):

Ambry Genetics
Classification: Uncertain significance for Hereditary cancer-predisposing syndrome. Last evaluated: 2024-10-13. Review status: criteria provided, single submitter. Criteria: Ambry Variant Classification Scheme 2023. Collection method: clinical testing. Allele origin: germline.
Comment: The p.V252I variant (also known as c.754G>A), located in coding exon 6 of the FH gene, results from a G to A substitution at nucleotide position 754. The valine at codon 252 is replaced by isoleucine, an amino acid with highly similar properties. This amino acid position is conserved. In addition, this alteration is predicted to be deleterious by in silico analysis. Based on the available evidence, the clinical significance of this variant remains unclear.

Labcorp Genetics (formerly Invitae), Labcorp
Classification: Uncertain significance. Last evaluated: 2024-03-01. Review status: criteria provided, single submitter. Criteria: Invitae Variant Classification Sherloc (09022015). Collection method: clinical testing. Allele origin: germline.
Comment: This sequence change replaces valine, which is neutral and non-polar, with isoleucine, which is neutral and non-polar, at codon 252 of the FH protein (p.Val252Ile). This variant is present in population databases (no rsID available, gnomAD 0.003%). This variant has not been reported in the literature in individuals affected with FH-related conditions. ClinVar contains an entry for this variant (Variation ID: 1427816). Advanced modeling of protein sequence and biophysical properties (such as structural, functional, and spatial information, amino acid conservation, physicochemical variation, residue mobility, and thermodynamic stability) has been performed at Invitae for this missense variant, however the output from this modeling did not meet the statistical confidence thresholds required to predict the impact of this variant on FH protein function. In summary, the available evidence is currently insufficient to determine the role of this variant in disease. Therefore, it has been classified as a Variant of Uncertain Significance.